The following is an entry in ClinVar:

ClinVar aggregate classification (germline): Uncertain significance. Review status: criteria provided, multiple submitters, no conflicts (2 of 4 stars). 2 submissions from 2 submitters: Uncertain significance (2). Last evaluated 2022-09-07.

Conditions:
Inborn genetic diseases. Identifiers: MedGen C0950123, MeSH D030342.

Allele frequency attached by ClinVar (database versions not stated): ExAC 0.00003; gnomAD exomes 0.00004.
gnomAD v4.1: 33 of 1,601,902 alleles (0.0021%); highest among the groups gnomAD compares: Admixed American, 0.013%; no homozygotes.

Submissions (2):

Labcorp Genetics (formerly Invitae), Labcorp
Classification: Uncertain significance. Last evaluated: 2022-09-07. Review status: criteria provided, single submitter. Criteria: Invitae Variant Classification Sherloc (09022015). Collection method: clinical testing. Allele origin: germline.
Comment: In summary, the available evidence is currently insufficient to determine the role of this variant in disease. Therefore, it has been classified as a Variant of Uncertain Significance. Algorithms developed to predict the effect of missense changes on protein structure and function output the following: SIFT: "Tolerated"; PolyPhen-2: "Benign"; Align-GVGD: "Class C0". The arginine amino acid residue is found in multiple mammalian species, which suggests that this missense change does not adversely affect protein function. ClinVar contains an entry for this variant (Variation ID: 1367552). This variant has not been reported in the literature in individuals affected with NPR3-related conditions. The frequency data for this variant in the population databases is considered unreliable, as metrics indicate poor data quality at this position in the gnomAD database. This sequence change replaces histidine, which is basic and polar, with arginine, which is basic and polar, at codon 373 of the NPR3 protein (p.His373Arg).

Ambry Genetics
Classification: Uncertain significance for Inborn genetic diseases. Last evaluated: 2022-06-28. Review status: criteria provided, single submitter. Criteria: Ambry Variant Classification Scheme 2023. Collection method: clinical testing. Allele origin: germline.

NM_001204375.2(NPR3):c.1118A>G (p.His373Arg)

Gene: NPR3 (natriuretic peptide receptor 3; plus strand). Cytogenetic location: 5p13.3.
Variant type: single nucleotide variant.
Coding change: c.1118A>G on transcript NM_001204375.2 (MANE Select); coding-DNA position 1118, A replaced by G.
Protein change: p.His373Arg; replaces histidine 373 with arginine.
Molecular consequence: missense variant.
Genome position (GRCh38, 1-based): chr5:32,774,766, A>G. VCF-style: chr5-32774766-A-G. GRCh37 (hg19) VCF-style: chr5-32774872-A-G.
Other names: c.1118A>G, p.His373Arg (NM_000908.4); c.470A>G, p.His157Arg (NM_001204376.2, NM_001363652.2); c.398A>G, p.His133Arg (NM_001364458.2); c.347A>G, p.His116Arg (NM_001364460.2); c.1118A>G (NM_001204375.1); short protein forms H373R, H116R, H133R, H157R.
Identifiers: ClinVar variation 1367552 (VCV001367552.7), dbSNP rs769451195, ClinGen allele CA3222554.